The following is an entry in ClinVar:

NM_000465.4(BARD1):c.112C>G (p.Arg38Gly)

Gene: BARD1 (BRCA1 associated RING domain 1; minus strand). Cytogenetic location: 2q35.
Variant type: single nucleotide variant.
Coding change: c.112C>G on transcript NM_000465.4 (MANE Select); coding-DNA position 112, C replaced by G.
Protein change: p.Arg38Gly; replaces arginine 38 with glycine.
Molecular consequence: missense variant. On other transcripts: non-coding transcript variant (3).
Genome position (GRCh38, 1-based): chr2:214,809,458, G>C on the plus strand (C>G on the coding strand, the complement: BARD1 is on the minus strand). VCF-style: chr2-214809458-G-C. GRCh37 (hg19) VCF-style: chr2-215674182-G-C.
Other names: c.112C>G, p.Arg38Gly (NM_001282543.2, NM_001282545.2, NM_001282548.2 and 1 more transcripts); short protein forms R38G.
Identifiers: ClinVar variation 489651 (VCV000489651.19), dbSNP rs1553628385, ClinGen allele CA350464975.
Genomic context (GRCh38, chr2:214,809,458, plus strand): 5'-AGCTCCGTCTTTACCAACGCGAGCAGCGCAGCAGCTTCTCCAGGCGGTCGAGCGCGGCGC[G>C]ACTGTGGGCCCAGGCACCGCGACCATCCGGTTCCATGGCGGGCGCGGAACGAGGCTCGTT-3'
Protein context (NP_000456.2, residues 28-48): PDGRGAWAHS[Arg38Gly]AALDRLEKLL

ClinVar aggregate classification (germline): Uncertain significance. Review status: criteria provided, multiple submitters, no conflicts (2 of 4 stars). 4 submissions from 4 submitters: Uncertain significance (4). Last evaluated 2024-04-11.

Conditions:
Familial cancer of breast. Also called: Hereditary breast cancer; BREAST CANCER, FAMILIAL; hereditary breast carcinoma. Identifiers: Orphanet 227535, MedGen C0346153, MONDO:0016419, OMIM 114480. Disease mechanism: loss of function.
Hereditary cancer-predisposing syndrome. Also called: Hereditary Cancer Syndrome; Neoplastic Syndromes, Hereditary; Tumor predisposition; Hereditary neoplastic syndrome. Identifiers: Orphanet 140162, MedGen C0027672, MeSH D009386, MONDO:0015356.

Allele frequency attached by ClinVar (database versions not stated): gnomAD exomes below 0.00001.

Submissions (4):

Labcorp Genetics (formerly Invitae), Labcorp
Classification: Uncertain significance for Familial cancer of breast. Last evaluated: 2024-04-11. Review status: criteria provided, single submitter. Criteria: Invitae Variant Classification Sherloc (09022015). Collection method: clinical testing. Allele origin: germline.
Comment: This sequence change replaces arginine, which is basic and polar, with glycine, which is neutral and non-polar, at codon 38 of the BARD1 protein (p.Arg38Gly). This variant is not present in population databases (gnomAD no frequency). This variant has not been reported in the literature in individuals affected with BARD1-related conditions. ClinVar contains an entry for this variant (Variation ID: 489651). An algorithm developed to predict the effect of missense changes on protein structure and function (PolyPhen-2) suggests that this variant is likely to be disruptive. In summary, the available evidence is currently insufficient to determine the role of this variant in disease. Therefore, it has been classified as a Variant of Uncertain Significance.

Color Diagnostics, LLC DBA Color Health
Classification: Uncertain significance for Hereditary cancer-predisposing syndrome. Last evaluated: 2023-12-05. Review status: criteria provided, single submitter. Criteria: ACMG Guidelines, 2015. Collection method: clinical testing. Allele origin: germline.
Comment: This missense variant replaces arginine with glycine at codon 38 of the BARD1 protein. Computational prediction is inconclusive regarding the impact of this variant on protein structure and function (internally defined REVEL score threshold 0.5 < inconclusive < 0.7, PMID: 27666373). To our knowledge, functional studies have not been reported for this variant. This variant has not been reported in individuals affected with BARD1-related disorders in the literature. This variant has not been identified in the general population by the Genome Aggregation Database (gnomAD). The available evidence is insufficient to determine the role of this variant in disease conclusively. Therefore, this variant is classified as a Variant of Uncertain Significance.

Ambry Genetics
Classification: Uncertain significance for Hereditary cancer-predisposing syndrome. Last evaluated: 2023-04-05. Review status: criteria provided, single submitter. Criteria: Ambry Variant Classification Scheme 2023. Collection method: clinical testing. Allele origin: germline.

Sema4
Classification: Uncertain significance for Hereditary cancer-predisposing syndrome. Last evaluated: 2022-03-04. Review status: criteria provided, single submitter. Criteria: Sema4 Curation Guidelines. Collection method: curation. Allele origin: germline.
Comment: The BARD1 c.112C>G (p.R38G) variant has not been reported in the literature to our knowledge. This variant is not present in the large and broad populations of the Genome Aggregation Database (PMID: 32461654). This variant has been reported in ClinVar (Variation ID: 489651). Functional studies have not been performed, and in silico predictions of the variant's effect on protein function are inconclusive. The evidence is insufficient to meet ACMG/AMP criteria for classifying the variant as benign or pathogenic. Thus, the clinical significance of this variant is currently uncertain.